The following is an entry in ClinVar:

ClinVar aggregate classification (germline): Conflicting classifications of pathogenicity. Review status: criteria provided, conflicting classifications (1 of 4 stars). 2 submissions from 2 submitters: Uncertain significance (1); Likely benign (1). Last evaluated 2024-12-19.

Conditions:
Inborn genetic diseases. Identifiers: MedGen C0950123, MeSH D030342.

Submissions (2):

Ambry Genetics
Classification: Likely benign for Inborn genetic diseases. Last evaluated: 2024-12-19. Review status: criteria provided, single submitter. Criteria: Ambry Variant Classification Scheme 2023. Collection method: clinical testing. Allele origin: germline.

Labcorp Genetics (formerly Invitae), Labcorp
Classification: Uncertain significance. Last evaluated: 2024-05-06. Review status: criteria provided, single submitter. Criteria: Invitae Variant Classification Sherloc (09022015). Collection method: clinical testing. Allele origin: germline.
Comment: This sequence change replaces isoleucine, which is neutral and non-polar, with valine, which is neutral and non-polar, at codon 328 of the ANKRD26 protein (p.Ile328Val). This variant is present in population databases (rs376568401, gnomAD 0.02%). This variant has not been reported in the literature in individuals affected with ANKRD26-related conditions. Algorithms developed to predict the effect of missense changes on protein structure and function output the following: SIFT: "Not Available"; PolyPhen-2: "Benign"; Align-GVGD: "Not Available". The valine amino acid residue is found in multiple mammalian species, which suggests that this missense change does not adversely affect protein function. In summary, the available evidence is currently insufficient to determine the role of this variant in disease. Therefore, it has been classified as a Variant of Uncertain Significance.

NM_014915.3(ANKRD26):c.982A>G (p.Ile328Val)

Gene: ANKRD26 (ankyrin repeat domain 26; minus strand). Cytogenetic location: 10p12.1.
Variant type: single nucleotide variant.
Coding change: c.982A>G on transcript NM_014915.3 (MANE Select); coding-DNA position 982, A replaced by G.
Protein change: p.Ile328Val; replaces isoleucine 328 with valine.
Molecular consequence: missense variant.
Genome position (GRCh38, 1-based): chr10:27,077,433, T>C on the plus strand (A>G on the coding strand, the complement: ANKRD26 is on the minus strand). VCF-style: chr10-27077433-T-C. GRCh37 (hg19) VCF-style: chr10-27366362-T-C.
Other names: c.982A>G, p.Ile328Val (NM_001256053.2); short protein forms I328V.
Identifiers: ClinVar variation 3714511 (VCV003714511.3).